The following is an entry in ClinVar:

NM_001378687.1(ATP2C1):c.2243+4C>A

Gene: ATP2C1 (ATPase secretory pathway Ca2+ transporting 1; plus strand). Cytogenetic location: 3q22.1.
Variant type: single nucleotide variant.
Coding change: c.2243+4C>A on transcript NM_001378687.1 (MANE Select); 4 bases into the intron after coding-DNA position 2243, C replaced by A.
Molecular consequence: intron variant.
Genome position (GRCh38, 1-based): chr3:130,996,800, C>A. VCF-style: chr3-130996800-C-A. GRCh37 (hg19) VCF-style: chr3-130715644-C-A.
Other names: c.2345+4C>A (NM_001378511.1, NM_001199180.2, NM_001199181.3); c.2228+4C>A (NM_001199182.2); c.2243+4C>A (NM_001001486.2, NM_001001487.2, NM_001001485.3 and 5 more transcripts); c.2195+4C>A (NM_001378514.1, NM_001199183.2, NM_001199184.3).
Identifiers: ClinVar variation 2799643 (VCV002799643.3), dbSNP rs771509642, ClinGen allele CA546240635.

ClinVar aggregate classification (germline): Uncertain significance (1 of 4 stars; one submission).

gnomAD v4.1: 1 of 1,572,378 alleles (0.000064%); highest among the groups gnomAD compares: Admixed American, 0.0017%; no homozygotes.

Submission:

Labcorp Genetics (formerly Invitae), Labcorp
Classification: Uncertain significance. Last evaluated: 2024-04-16. Review status: criteria provided, single submitter. Criteria: Invitae Variant Classification Sherloc (09022015). Collection method: clinical testing. Allele origin: germline.
Comment: This sequence change falls in intron 23 of the ATP2C1 gene. It does not directly change the encoded amino acid sequence of the ATP2C1 protein. It affects a nucleotide within the consensus splice site. This variant is present in population databases (no rsID available, gnomAD 0.003%). This variant has not been reported in the literature in individuals affected with ATP2C1-related conditions. Variants that disrupt the consensus splice site are a relatively common cause of aberrant splicing (PMID: 17576681, 9536098). Algorithms developed to predict the effect of sequence changes on RNA splicing suggest that this variant is not likely to affect RNA splicing. In summary, the available evidence is currently insufficient to determine the role of this variant in disease. Therefore, it has been classified as a Variant of Uncertain Significance.

Literature cited by the submitters: PubMed 17576681; PubMed 9536098.